The following is an entry in ClinVar:

ClinVar aggregate classification (germline): Uncertain significance (1 of 4 stars; one submission).

Allele frequency attached by ClinVar (database versions not stated): TOPMed below 0.00001.

Submission:

CeGaT Center for Human Genetics Tuebingen
Classification: Uncertain significance. Last evaluated: 2023-10-01. Review status: criteria provided, single submitter. Criteria: CeGaT Center For Human Genetics Tuebingen Variant Classification Criteria Version 2. Collection method: clinical testing. Allele origin: germline. Affected: yes. Observed: 1 variant allele.
Comment: BRD4: PM2, BP4

NM_001379291.1(BRD4):c.2158+421T>G

Gene: BRD4 (bromodomain containing 4; minus strand). Cytogenetic location: 19p13.12.
Variant type: single nucleotide variant.
Coding change: c.2158+421T>G on transcript NM_001379291.1 (MANE Select); 421 bases into the intron after coding-DNA position 2158, T replaced by G.
Molecular consequence: intron variant. On other transcripts: missense variant (1).
Genome position (GRCh38, 1-based): chr19:15,253,731, A>C on the plus strand (T>G on the coding strand, the complement: BRD4 is on the minus strand). VCF-style: chr19-15253731-A-C. GRCh37 (hg19) VCF-style: chr19-15364542-A-C.
Other names: c.2211T>G, p.Ser737Arg (NM_001330384.2); c.2158+421T>G (NM_058243.3, NM_001379292.1, NM_014299.3); short protein forms S737R.
Identifiers: ClinVar variation 2649482 (VCV002649482.24), dbSNP rs1470566730, ClinGen allele CA404515749.
Genomic context (GRCh38, chr19:15,253,731, plus strand): 5'-CTGCTCCACATCCACCAGAAACCAGCGAAGCATCTCCCTGAAGCGGCCGCACTGCACGTG[A>C]CTGTGATACGGGGAAGGCCCTGGGGACACGAAGTCTCCACTGGTGCAGAAAGCTGGGTGT-3'